The following is an entry in ClinVar:

ClinVar aggregate classification (germline): Uncertain significance (1 of 4 stars; one submission).

gnomAD v4.1: 2 of 1,614,142 alleles (0.00012%); highest among the groups gnomAD compares: Non-Finnish European, 0.000085%; no homozygotes.

Submission:

Labcorp Genetics (formerly Invitae), Labcorp
Classification: Uncertain significance. Last evaluated: 2024-03-27. Review status: criteria provided, single submitter. Criteria: Invitae Variant Classification Sherloc (09022015). Collection method: clinical testing. Allele origin: germline.
Comment: This sequence change replaces isoleucine, which is neutral and non-polar, with threonine, which is neutral and polar, at codon 1543 of the FAT2 protein (p.Ile1543Thr). This variant is present in population databases (no rsID available, gnomAD 0.01%). This variant has not been reported in the literature in individuals affected with FAT2-related conditions. An algorithm developed to predict the effect of missense changes on protein structure and function (PolyPhen-2) suggests that this variant is likely to be tolerated. In summary, the available evidence is currently insufficient to determine the role of this variant in disease. Therefore, it has been classified as a Variant of Uncertain Significance.

NM_001447.3(FAT2):c.4628T>C (p.Ile1543Thr)

Genes: FAT2 (FAT atypical cadherin 2; minus strand), SLC36A1 (solute carrier family 36 member 1; plus strand). Cytogenetic location: 5q33.1.
Variant type: single nucleotide variant.
Coding change: c.4628T>C on transcript NM_001447.3 (MANE Select); coding-DNA position 4628, T replaced by C.
Protein change: p.Ile1543Thr; replaces isoleucine 1543 with threonine.
Molecular consequence: missense variant.
Genome position (GRCh38, 1-based): chr5:151,549,456, A>G on the plus strand (T>C on the coding strand, the complement: FAT2 is on the minus strand). VCF-style: chr5-151549456-A-G. GRCh37 (hg19) VCF-style: chr5-150929017-A-G.
Other names: short protein forms I1543T.
Identifiers: ClinVar variation 3674990 (VCV003674990.2).
Genomic context (GRCh38, chr5:151,549,456, plus strand): 5'-CTTGCCTCATAATGGAGCTGAGTGAAGCGGGGTGGGTGGAGGTTTCCATCCTCCACATGA[A>G]TGGTCACCCACACGAAGTTCCTCTTGATAGGTATTTCCTGGTCTCGGACCTATGGGCCCA-3'
Protein context (NP_001438.1, residues 1533-1553): PIKRNFVWVT[Ile1543Thr]HVEDGNLHPP